The following is an entry in ClinVar:

NM_005901.6(SMAD2):c.737C>T (p.Pro246Leu)

Gene: SMAD2 (SMAD family member 2; minus strand). Cytogenetic location: 18q21.1.
Variant type: single nucleotide variant.
Coding change: c.737C>T on transcript NM_005901.6 (MANE Select); coding-DNA position 737, C replaced by T.
Protein change: p.Pro246Leu; replaces proline 246 with leucine.
Molecular consequence: missense variant.
Genome position (GRCh38, 1-based): chr18:47,851,321, G>A on the plus strand (C>T on the coding strand, the complement: SMAD2 is on the minus strand). VCF-style: chr18-47851321-G-A. GRCh37 (hg19) VCF-style: chr18-45377692-G-A.
Other names: c.737C>T, p.Pro246Leu (NM_001003652.4); c.647C>T, p.Pro216Leu (NM_001135937.3); short protein forms P216L, P246L.
Identifiers: ClinVar variation 3675871 (VCV003675871.2).
Genomic context (GRCh38, chr18:47,851,321, plus strand): 5'-ATGTGCAACTTACCCAAGCTATGATTAACAGGGGAAAGAGTAGTAGGAGATAGTTCTGCT[G>A]GAGAGCCTAAAACAAAAGGATTTAAAAATAAATGAAGTATTTCCAGAACTTCTGATCAAG-3'
Protein context (NP_005892.1, residues 236-256): QLNQSMDTGS[Pro246Leu]AELSPTTLSP

ClinVar aggregate classification (germline): Uncertain significance (1 of 4 stars; one submission).

gnomAD v4.1: 1 of 1,607,008 alleles (0.000062%); highest among the groups gnomAD compares: Non-Finnish European, 0.000085%; no homozygotes.

Submission:

Labcorp Genetics (formerly Invitae), Labcorp
Classification: Uncertain significance. Last evaluated: 2024-11-27. Review status: criteria provided, single submitter. Criteria: Invitae Variant Classification Sherloc (09022015). Collection method: clinical testing. Allele origin: germline.
Comment: This sequence change replaces proline, which is neutral and non-polar, with leucine, which is neutral and non-polar, at codon 246 of the SMAD2 protein (p.Pro246Leu). This variant is not present in population databases (gnomAD no frequency). This variant has not been reported in the literature in individuals affected with SMAD2-related conditions. Invitae Evidence Modeling of protein sequence and biophysical properties (such as structural, functional, and spatial information, amino acid conservation, physicochemical variation, residue mobility, and thermodynamic stability) indicates that this missense variant is not expected to disrupt SMAD2 protein function with a negative predictive value of 80%. In summary, the available evidence is currently insufficient to determine the role of this variant in disease. Therefore, it has been classified as a Variant of Uncertain Significance.